The following is an entry in ClinVar:

ClinVar aggregate classification (germline): Benign. Review status: criteria provided, multiple submitters, no conflicts (2 of 4 stars). 5 submissions from 5 submitters: Benign (5). Last evaluated 2026-02-04.

Conditions:
Joubert syndrome 18 (JBTS18). Identifiers: Orphanet 2754, MedGen C3553758, MONDO:0013896, OMIM 614815.
Orofacial-digital syndrome IV (OFD4). Also called: BARAITSER-BURN SYNDROME; OFD SYNDROME WITH TIBIAL DEFECTS; OFD SYNDROME, BARAITSER-BURN TYPE; OFDS IV; ORAL-FACIAL-DIGITAL SYNDROME, TYPE IV; Orofaciodigital syndrome IV. Identifiers: Orphanet 2753, MedGen C0406727, MONDO:0009794, OMIM 258860.

Allele frequency attached by ClinVar (database versions not stated): gnomAD exomes 0.15948; ExAC 0.16291; gnomAD 0.18518 and 0.18618; TOPMed 0.19075; 1000 Genomes Project 0.19529; ESP Exome Variant Server 0.19699; 1000 Genomes Project 30x 0.20050.
gnomAD v4.1: 243,924 of 1,597,844 alleles (15%); highest among the groups gnomAD compares: Middle Eastern, 28%; 20,541 homozygotes.

Submissions (5):

Labcorp Genetics (formerly Invitae), Labcorp
Classification: Benign for Joubert syndrome 18; Orofacial-digital syndrome IV. Last evaluated: 2026-02-04. Review status: criteria provided, single submitter. Criteria: Invitae Variant Classification Sherloc (09022015). Collection method: clinical testing. Allele origin: germline.

Blueprint Genetics
Classification: Benign. Last evaluated: 2024-11-27. Review status: criteria provided, single submitter. Criteria: ACMG Guidelines, 2015. Collection method: clinical testing. Allele origin: germline.

GeneDx
Classification: Benign. Last evaluated: 2016-01-08. Review status: criteria provided, single submitter. Criteria: GeneDx Variant Classification (06012015). Collection method: clinical testing. Allele origin: germline. Affected: yes.
Comment: This variant is considered likely benign or benign based on one or more of the following criteria: it is a conservative change, it occurs at a poorly conserved position in the protein, it is predicted to be benign by multiple in silico algorithms, and/or has population frequency not consistent with disease.

Breakthrough Genomics
Classification: Benign. Review status: criteria provided, single submitter. Criteria: ACMG Guidelines, 2015. Collection method: not provided. Allele origin: germline. Inheritance: Autosomal recessive inheritance. Affected: yes.

PreventionGenetics, part of Exact Sciences
Classification: Benign. Review status: criteria provided, single submitter. Criteria: ACMG Guidelines, 2015. Collection method: clinical testing. Allele origin: germline.

NM_015631.6(TCTN3):c.500-11A>T

Gene: TCTN3 (tectonic family member 3; minus strand). Cytogenetic location: 10q24.1.
Variant type: single nucleotide variant.
Coding change: c.500-11A>T on transcript NM_015631.6 (MANE Select); 11 bases into the intron before coding-DNA position 500, A replaced by T.
Molecular consequence: intron variant.
Genome position (GRCh38, 1-based): chr10:95,687,730, T>A on the plus strand (A>T on the coding strand, the complement: TCTN3 is on the minus strand). VCF-style: chr10-95687730-T-A. GRCh37 (hg19) VCF-style: chr10-97447487-T-A.
Other names: c.500-571A>T (NM_001143973.2).
Identifiers: ClinVar variation 260669 (VCV000260669.12), dbSNP rs11188434, ClinGen allele CA5621134.